The following is an entry in ClinVar:

NM_001195263.2(PDZD7):c.2006-1G>A

Gene: PDZD7 (PDZ domain containing 7; minus strand). Cytogenetic location: 10q24.31.
Variant type: single nucleotide variant.
Coding change: c.2006-1G>A on transcript NM_001195263.2 (MANE Select); the canonical splice acceptor site of the intron before coding-DNA position 2006, G replaced by A.
Molecular consequence: splice acceptor variant.
Genome position (GRCh38, 1-based): chr10:101,010,884, C>T on the plus strand (G>A on the coding strand, the complement: PDZD7 is on the minus strand). VCF-style: chr10-101010884-C-T. GRCh37 (hg19) VCF-style: chr10-102770641-C-T.
Identifiers: ClinVar variation 1505449 (VCV001505449.6), dbSNP rs1207503394, ClinGen allele CA378225536.

ClinVar aggregate classification (germline): Likely pathogenic (1 of 4 stars; one submission).

Submission:

Labcorp Genetics (formerly Invitae), Labcorp
Classification: Likely pathogenic. Last evaluated: 2022-06-20. Review status: criteria provided, single submitter. Criteria: Invitae Variant Classification Sherloc (09022015). Collection method: clinical testing. Allele origin: germline.
Comment: In summary, the currently available evidence indicates that the variant is pathogenic, but additional data are needed to prove that conclusively. Therefore, this variant has been classified as Likely Pathogenic. Algorithms developed to predict the effect of sequence changes on RNA splicing suggest that this variant may disrupt the consensus splice site. This variant has not been reported in the literature in individuals affected with PDZD7-related conditions. This variant is not present in population databases (gnomAD no frequency). This sequence change affects an acceptor splice site in intron 14 of the PDZD7 gene. It is expected to disrupt RNA splicing. Variants that disrupt the donor or acceptor splice site typically lead to a loss of protein function (PMID: 16199547), and loss-of-function variants in PDZD7 are known to be pathogenic (PMID: 20440071).

Literature cited by the submitters: PubMed 16199547; PubMed 20440071.